The following is an entry in ClinVar:

NM_024675.4(PALB2):c.3225T>A (p.Ser1075Arg)

Gene: PALB2 (partner and localizer of BRCA2; minus strand). Cytogenetic location: 16p12.2.
Variant type: single nucleotide variant.
Coding change: c.3225T>A on transcript NM_024675.4 (MANE Select); coding-DNA position 3225, T replaced by A.
Protein change: p.Ser1075Arg; replaces serine 1075 with arginine.
Molecular consequence: missense variant.
Genome position (GRCh38, 1-based): chr16:23,607,989, A>T on the plus strand (T>A on the coding strand, the complement: PALB2 is on the minus strand). VCF-style: chr16-23607989-A-T. GRCh37 (hg19) VCF-style: chr16-23619310-A-T.
Other names: short protein forms S1075R.
Identifiers: ClinVar variation 230775 (VCV000230775.25), dbSNP rs202222149, ClinGen allele CA7963396.

ClinVar aggregate classification (germline): Conflicting classifications of pathogenicity. Review status: criteria provided, conflicting classifications (1 of 4 stars). 8 submissions from 8 submitters: Uncertain significance (5); Likely benign (3). Last evaluated 2026-01-11.

Conditions:
Fanconi anemia complementation group N. Also called: PALB2-Related Fanconi Anemia. Identifiers: Orphanet 84, MedGen C1835817, MONDO:0012565, OMIM 610832. Disease mechanism: loss of function.
Pancreatic cancer, susceptibility to, 3. Identifiers: Orphanet 1333, MedGen C3150547, MONDO:0013236, OMIM 613348.
Breast-ovarian cancer, familial, susceptibility to, 5 (BROVCA5). Identifiers: MedGen C5830615, MONDO:0957530, OMIM 620442.
Hereditary cancer-predisposing syndrome. Also called: Hereditary Cancer Syndrome; Neoplastic Syndromes, Hereditary; Tumor predisposition; Hereditary neoplastic syndrome. Identifiers: Orphanet 140162, MedGen C0027672, MeSH D009386, MONDO:0015356.
Familial cancer of breast. Also called: Hereditary breast cancer; hereditary breast carcinoma; BREAST CANCER, FAMILIAL. Identifiers: Orphanet 227535, MedGen C0346153, MONDO:0016419, OMIM 114480. Disease mechanism: loss of function.

Allele frequency attached by ClinVar (database versions not stated): gnomAD exomes below 0.00001 and 0.00003; ExAC 0.00001; gnomAD 0.00001 and 0.00002; TOPMed 0.00002; 1000 Genomes Project 0.00040; 1000 Genomes Project 30x 0.00047.
gnomAD v4.1: 11 of 1,614,074 alleles (0.00068%); highest among the groups gnomAD compares: East Asian, 0.022%; no homozygotes.

Submissions (8):

Labcorp Genetics (formerly Invitae), Labcorp
Classification: Uncertain significance for Familial cancer of breast. Last evaluated: 2026-01-11. Review status: criteria provided, single submitter. Criteria: Invitae Variant Classification Sherloc (09022015). Collection method: clinical testing. Allele origin: germline.
Comment: This sequence change replaces serine, which is neutral and polar, with arginine, which is basic and polar, at codon 1075 of the PALB2 protein (p.Ser1075Arg). This variant is present in population databases (rs202222149, gnomAD 0.03%). This missense change has been observed in individual(s) with PALB2-related conditions (PMID: 31742824, 32068069, 35171259, 39226054). ClinVar contains an entry for this variant (Variation ID: 230775). An algorithm developed to predict the effect of missense changes on protein structure and function (PolyPhen-2) suggests that this variant is likely to be tolerated. In summary, the available evidence is currently insufficient to determine the role of this variant in disease. Therefore, it has been classified as a Variant of Uncertain Significance.

Women's Health and Genetics/Laboratory Corporation of America, LabCorp
Classification: Likely benign. Last evaluated: 2025-07-11. Review status: criteria provided, single submitter. Criteria: LabCorp Variant Classification Summary - May 2015. Collection method: clinical testing. Allele origin: germline.
Comment: Variant summary: PALB2 c.3225T>A (p.Ser1075Arg) results in a non-conservative amino acid change in the encoded protein sequence. Algorithms developed to predict the effect of missense changes on protein structure and function are either unavailable or do not agree on the potential impact of this missense change. The variant allele was found at a frequency of 6.8e-06 in 1614074 control chromosomes, predominantly at a frequency of 0.00022 within the East Asian subpopulation in the gnomAD database. The observed variant frequency within East Asian control individuals in the gnomAD database is approximately 1.41 fold of the estimated maximal expected allele frequency for a pathogenic variant in PALB2 causing Breast Cancer phenotype (0.00016). c.3225T>A has been reported in settings of multigene panel testing in individuals, primarily of East Asian ancestry, affected with Hereditary Breast And Ovarian Cancer Syndrome (HBOC) or with HBOC-related cancers such as Breast Cancer or Pancreatic Cancer, without strong evidence for causality (e.g. Kwong_2020, Shao_2020, Yin_2022, Rezoug_2024). These reports do not provide unequivocal conclusions about association of the variant with PALB2-related cancers. To our knowledge, no experimental evidence demonstrating an impact on protein function has been reported. The following publications have been ascertained in the context of this evaluation (PMID: 32068069, 31742824, 35171259, 39226054). ClinVar contains an entry for this variant (Variation ID: 230775). Based on the evidence outlined above, the variant was classified as likely benign.

Color Diagnostics, LLC DBA Color Health
Classification: Likely benign for Hereditary cancer-predisposing syndrome. Last evaluated: 2024-11-14. Review status: criteria provided, single submitter. Criteria: ACMG Guidelines, 2015. Collection method: clinical testing. Allele origin: germline.

Department of Pathology and Laboratory Medicine, Sinai Health System
Classification: Uncertain significance for Fanconi anemia complementation group N; Pancreatic cancer, susceptibility to, 3; Breast-ovarian cancer, familial, susceptibility to, 5. Last evaluated: 2023-12-08. Review status: criteria provided, single submitter. Criteria: ACMG Guidelines, 2015. Collection method: clinical testing. Allele origin: germline. Affected: no.

Ambry Genetics
Classification: Likely benign for Hereditary cancer-predisposing syndrome. Last evaluated: 2023-06-12. Review status: criteria provided, single submitter. Criteria: Ambry Variant Classification Scheme 2023. Collection method: clinical testing. Allele origin: germline.

Baylor Genetics
Classification: Uncertain significance for Familial cancer of breast. Last evaluated: 2023-06-05. Review status: criteria provided, single submitter. Criteria: ACMG Guidelines, 2015. Collection method: clinical testing. Allele origin: unknown.

Sema4
Classification: Uncertain significance for Hereditary cancer-predisposing syndrome. Last evaluated: 2022-01-14. Review status: criteria provided, single submitter. Criteria: Sema4 Curation Guidelines. Collection method: curation. Allele origin: germline.
Comment: The PALB2 c.3225T>A (p.S1075R) variant has been reported in a breast cancer case-control analysis in 6/60466 cases and 8/53461 controls (PMID: 331471991). It was observed in 8/18394 chromosomes of the East Asian subpopulation in the large and broad cohorts of the Genome Aggregation Database (PMID: 32461654). The variant has been reported in ClinVar (Variation ID 230775). Functional studies have not been performed, and in silico predictions of the variant's effect on protein function are inconclusive. The evidence is insufficient to meet ACMG/AMP criteria for classifying the variant as benign or pathogenic. Thus, the clinical significance of this variant is currently uncertain.

Fulgent Genetics
Classification: Uncertain significance for Familial cancer of breast; Fanconi anemia complementation group N; Pancreatic cancer, susceptibility to, 3. Last evaluated: 2021-07-06. Review status: criteria provided, single submitter. Criteria: ACMG Guidelines, 2015. Collection method: clinical testing. Allele origin: unknown.

Literature cited by the submitters: PubMed 31742824 (cited by Labcorp Genetics (formerly Invitae), Labcorp and Women's Health and Genetics/Laboratory Corporation of America, LabCorp); PubMed 32068069 (cited by Labcorp Genetics (formerly Invitae), Labcorp and Women's Health and Genetics/Laboratory Corporation of America, LabCorp); PubMed 35171259 (cited by Labcorp Genetics (formerly Invitae), Labcorp and Women's Health and Genetics/Laboratory Corporation of America, LabCorp); PubMed 39226054 (cited by Labcorp Genetics (formerly Invitae), Labcorp and Women's Health and Genetics/Laboratory Corporation of America, LabCorp); PubMed 33471991 (cited by Department of Pathology and Laboratory Medicine, Sinai Health System).